The following is an entry in ClinVar:

NM_013296.5(GPSM2):c.1063-1G>T

Gene: GPSM2 (G protein signaling modulator 2; plus strand). Cytogenetic location: 1p13.3.
Variant type: single nucleotide variant.
Coding change: c.1063-1G>T on transcript NM_013296.5 (MANE Select); the canonical splice acceptor site of the intron before coding-DNA position 1063, G replaced by T.
Molecular consequence: splice acceptor variant.
Genome position (GRCh38, 1-based): chr1:108,904,124, G>T. VCF-style: chr1-108904124-G-T. GRCh37 (hg19) VCF-style: chr1-109446746-G-T.
Other names: c.1063-1G>T (NM_001321038.2, NM_001321039.3).
Identifiers: ClinVar variation 228354 (VCV000228354.6), dbSNP rs773068151, ClinGen allele CA982965.

ClinVar aggregate classification (germline): Pathogenic/Likely pathogenic. Review status: criteria provided, multiple submitters, no conflicts (2 of 4 stars). 2 submissions from 2 submitters: Pathogenic (1); Likely pathogenic (1). Last evaluated 2026-08-05.

Conditions:
Rare genetic deafness. Identifiers: Orphanet 96210, MedGen C5680250.

Allele frequency attached by ClinVar (database versions not stated): ExAC 0.00001; gnomAD 0.00001; gnomAD exomes 0.00001; TOPMed 0.00001.
gnomAD v4.1: 21 of 1,589,878 alleles (0.0013%); highest among the groups gnomAD compares: Non-Finnish European, 0.0018%; no homozygotes.

Submissions (2):

GeneDx
Classification: Likely pathogenic. Last evaluated: 2026-08-05. Review status: criteria provided, single submitter. Criteria: GeneDx Variant Classification Process June 2021. Collection method: clinical testing. Allele origin: germline.
Comment: Canonical splice site variant predicted to result in a null allele in a gene for which loss of function is a known mechanism of disease; Not observed at significant frequency in large population cohorts (gnomAD); Has not been previously published as pathogenic or benign to our knowledge; This variant is associated with the following publications: (PMID: 31589614)

Laboratory for Molecular Medicine, Mass General Brigham Personalized Medicine
Classification: Pathogenic for Rare genetic deafness. Last evaluated: 2015-09-17. Review status: criteria provided, single submitter. Criteria: LMM Criteria. Collection method: clinical testing. Allele origin: germline. Inheritance: Autosomal recessive inheritance. Observed: 1 variant allele.
Comment: The c.1063-1G>T variant in GPSM2 has not been previously reported in individuals with hearing loss or Chudley-McCullough syndrome, but has been identified in 1/ 65476 European chromosomes by the Exome Aggregation Consortium (ExAC; dbSNP rs773068151). Although this variant has been seen in the general population, its frequency is low enough to be consistent with a rec essive carrier frequency. This variant occurs in the invariant region (+/- 1,2) of the splice consensus sequence and is predicted to cause altered splicing lead ing to an abnormal or absent protein. Loss-of-function variants in the GPSM2 gen e are associated with Chudley-McCullough syndrome, an autosomal recessive condit ion with congenital hearing loss and brain abnormalities with typically normal c ognition. In summary, this variant meets our criteria to be classified as pathog enic for hearing loss in an autosomal recessive manner based on the predicted im pact of the variant.